The following is an entry in ClinVar:

NM_015046.7(SETX):c.7874C>A (p.Pro2625Gln)

Gene: SETX (senataxin; minus strand). Cytogenetic location: 9q34.13.
Variant type: single nucleotide variant.
Coding change: c.7874C>A on transcript NM_015046.7 (MANE Select); coding-DNA position 7874, C replaced by A.
Protein change: p.Pro2625Gln; replaces proline 2625 with glutamine.
Molecular consequence: missense variant.
Genome position (GRCh38, 1-based): chr9:132,264,399, G>T on the plus strand (C>A on the coding strand, the complement: SETX is on the minus strand). VCF-style: chr9-132264399-G-T. GRCh37 (hg19) VCF-style: chr9-135139786-G-T.
Other names: c.7874C>A, p.Pro2625Gln (NM_001351527.2); c.7961C>A, p.Pro2654Gln (NM_001351528.2); short protein forms P2625Q, P2654Q.
Identifiers: ClinVar variation 4792654 (VCV004792654.1).
Genomic context (GRCh38, chr9:132,264,399, plus strand): 5'-TTCTCCTGCTCCCCTTCACTGAAAGCCCTGGCCTCTCTCCTGTGACAGAGCTCCTCTTCC[G>T]GGTCATCACATTTGCTCTGACACGTGGAAGCCTCGGGACTGGCAGCTGGAGGTTCGCCCC-3'
Protein context (NP_055861.3, residues 2615-2635): ASTCQSKCDD[Pro2625Gln]EEELCHRREA

ClinVar aggregate classification (germline): Uncertain significance (1 of 4 stars; one submission).

Conditions:
Spinocerebellar ataxia, autosomal recessive, with axonal neuropathy 2 (SCAN2). Also called: ATAXIA-OCULOMOTOR APRAXIA 2; Ataxia-ocular apraxia-2; Ataxia with Oculomotor Apraxia; Ataxia with Oculomotor Apraxia Type 2. Identifiers: Orphanet 64753, MedGen C1853761, MONDO:0018996, OMIM 606002.
Amyotrophic lateral sclerosis type 4 (ALS4). Also called: AMYOTROPHIC LATERAL SCLEROSIS 4, JUVENILE; NEURONOPATHY, DISTAL HEREDITARY MOTOR, WITH PYRAMIDAL FEATURES. Identifiers: Orphanet 357043, MedGen C1865409, MONDO:0011223, OMIM 602433.

gnomAD v4.1: 4 of 1,614,054 alleles (0.00025%); highest among the groups gnomAD compares: Non-Finnish European, 0.00034%; no homozygotes.

Submission:

Labcorp Genetics (formerly Invitae), Labcorp
Classification: Uncertain significance for Amyotrophic lateral sclerosis type 4; Spinocerebellar ataxia, autosomal recessive, with axonal neuropathy 2. Last evaluated: 2025-07-21. Review status: criteria provided, single submitter. Criteria: Invitae Variant Classification Sherloc (09022015). Collection method: clinical testing. Allele origin: germline.
Comment: This sequence change replaces proline, which is neutral and non-polar, with glutamine, which is neutral and polar, at codon 2625 of the SETX protein (p.Pro2625Gln). This variant is not present in population databases (gnomAD no frequency). This variant has not been reported in the literature in individuals affected with SETX-related conditions. Invitae Evidence Modeling of protein sequence and biophysical properties (such as structural, functional, and spatial information, amino acid conservation, physicochemical variation, residue mobility, and thermodynamic stability) indicates that this missense variant is not expected to disrupt SETX protein function with a negative predictive value of 95%. In summary, the available evidence is currently insufficient to determine the role of this variant in disease. Therefore, it has been classified as a Variant of Uncertain Significance.